The following is an entry in ClinVar:

ClinVar aggregate classification (germline): Likely benign. Review status: criteria provided, single submitter (1 of 4 stars). 2 submissions from 2 submitters: Likely benign (1). 1 of the submissions does not count toward it. Last evaluated 2026-01-08.

Conditions:
ALOXE3-related disorder. Also called: ALOXE3-related condition.

Allele frequency attached by ClinVar (database versions not stated): gnomAD 0.00134; 1000 Genomes Project 0.00140; 1000 Genomes Project 30x 0.00141; TOPMed 0.00151; ESP Exome Variant Server 0.00177.
gnomAD v4.1: 465 of 1,614,198 alleles (0.029%); highest among the groups gnomAD compares: African/African-American, 0.51%; 2 homozygotes.

Submissions (2):

Labcorp Genetics (formerly Invitae), Labcorp
Classification: Likely benign. Last evaluated: 2026-01-08. Review status: criteria provided, single submitter. Criteria: Invitae Variant Classification Sherloc (09022015). Collection method: clinical testing. Allele origin: germline.

PreventionGenetics, part of Exact Sciences
Classification: Likely benign for ALOXE3-related condition. Last evaluated: 2020-07-17. Review status: no assertion criteria provided. Collection method: clinical testing. Allele origin: germline. Not counted in ClinVar's aggregate classification.
Comment: This variant is classified as likely benign based on ACMG/AMP sequence variant interpretation guidelines (Richards et al. 2015 PMID: 25741868, with internal and published modifications).

NM_021628.3(ALOXE3):c.449C>A (p.Ala150Asp)

Gene: ALOXE3 (arachidonate epidermal lipoxygenase 3; minus strand). Cytogenetic location: 17p13.1.
Variant type: single nucleotide variant.
Coding change: c.449C>A on transcript NM_021628.3 (MANE Select); coding-DNA position 449, C replaced by A.
Protein change: p.Ala150Asp; replaces alanine 150 with aspartic acid.
Molecular consequence: missense variant.
Genome position (GRCh38, 1-based): chr17:8,115,043, G>T on the plus strand (C>A on the coding strand, the complement: ALOXE3 is on the minus strand). VCF-style: chr17-8115043-G-T. GRCh37 (hg19) VCF-style: chr17-8018361-G-T.
Other names: c.845C>A, p.Ala282Asp (NM_001165960.1); c.449C>A, p.Ala150Asp (NM_001369446.1); short protein forms A150D, A282D.
Identifiers: ClinVar variation 784352 (VCV000784352.8), dbSNP rs114167629, ClinGen allele CA8368415.